The following is an entry in ClinVar:

NM_177438.3(DICER1):c.1981G>T (p.Gly661Cys)

Gene: DICER1 (dicer 1, ribonuclease III; minus strand). Cytogenetic location: 14q32.13.
Variant type: single nucleotide variant.
Coding change: c.1981G>T on transcript NM_177438.3 (MANE Select); coding-DNA position 1981, G replaced by T.
Protein change: p.Gly661Cys; replaces glycine 661 with cysteine.
Molecular consequence: missense variant.
Genome position (GRCh38, 1-based): chr14:95,113,151, C>A on the plus strand (G>T on the coding strand, the complement: DICER1 is on the minus strand). VCF-style: chr14-95113151-C-A. GRCh37 (hg19) VCF-style: chr14-95579488-C-A.
Other names: c.1981G>T, p.Gly661Cys (NM_001195573.1, NM_001271282.3, NM_001291628.2 and 1 more transcripts); short protein forms G661C.
Identifiers: ClinVar variation 1346060 (VCV001346060.7), dbSNP rs2140088291, ClinGen allele CA390883289.
Genomic context (GRCh38, chr14:95,113,151, plus strand): 5'-CAACAATGGAGGCTCGAAGAGGTGAGTTAATTGGCAGATAAAGAGTTGAATAAAATGTAC[C>A]ATCAGGCAACTCTCGGGTTCTGCATTTAGGAGCTAGATGAGTAAACGGATCACTTGGTAA-3'
Protein context (NP_803187.1, residues 651-671): PKCRTRELPD[Gly661Cys]TFYSTLYLPI

ClinVar aggregate classification (germline): Uncertain significance (1 of 4 stars; one submission).

Conditions:
DICER1-related tumor predisposition. Also called: DICER1 syndrome; DICER1-related pleuropulmonary blastoma cancer predisposition syndrome. Identifiers: Orphanet 284343, MedGen C3839822, MONDO:0100216.

Submission:

Labcorp Genetics (formerly Invitae), Labcorp
Classification: Uncertain significance for DICER1-related tumor predisposition. Last evaluated: 2021-10-21. Review status: criteria provided, single submitter. Criteria: Invitae Variant Classification Sherloc (09022015). Collection method: clinical testing. Allele origin: germline.
Comment: This sequence change replaces glycine with cysteine at codon 661 of the DICER1 protein (p.Gly661Cys). The glycine residue is moderately conserved and there is a large physicochemical difference between glycine and cysteine. This variant is not present in population databases (ExAC no frequency). This variant has not been reported in the literature in individuals affected with DICER1-related conditions. Algorithms developed to predict the effect of missense changes on protein structure and function are either unavailable or do not agree on the potential impact of this missense change (SIFT: "Tolerated"; PolyPhen-2: "Possibly Damaging"; Align-GVGD: "Class C0"). In summary, the available evidence is currently insufficient to determine the role of this variant in disease. Therefore, it has been classified as a Variant of Uncertain Significance.